The following is an entry in ClinVar:

ClinVar aggregate classification (germline): Benign/Likely benign. Review status: criteria provided, multiple submitters, no conflicts (2 of 4 stars). 2 submissions from 2 submitters: Benign (1); Likely benign (1). Last evaluated 2025-01-14.

Conditions:
Hereditary cancer-predisposing syndrome. Also called: Hereditary Cancer Syndrome; Neoplastic Syndromes, Hereditary; Tumor predisposition; Hereditary neoplastic syndrome. Identifiers: Orphanet 140162, MedGen C0027672, MeSH D009386, MONDO:0015356.
Familial cancer of breast. Also called: BREAST CANCER, FAMILIAL; Hereditary breast cancer; hereditary breast carcinoma. Identifiers: Orphanet 227535, MedGen C0346153, MONDO:0016419, OMIM 114480. Disease mechanism: loss of function.

Submissions (2):

Myriad Genetics, Inc.
Classification: Benign for Familial cancer of breast. Last evaluated: 2025-01-14. Review status: criteria provided, single submitter. Criteria: Myriad Autosomal Dominant, Autosomal Recessive and X-Linked Classification Criteria (2023). Collection method: clinical testing. Allele origin: unknown.
Comment: This variant is considered benign. This variant is a silent/synonymous amino acid change and it is not expected to impact splicing.

Ambry Genetics
Classification: Likely benign for Hereditary cancer-predisposing syndrome. Last evaluated: 2016-02-04. Review status: criteria provided, single submitter. Criteria: Ambry Variant Classification Scheme 2023. Collection method: clinical testing. Allele origin: germline.

NM_024675.4(PALB2):c.1731T>C (p.Asn577=)

Gene: PALB2 (partner and localizer of BRCA2; minus strand). Cytogenetic location: 16p12.2.
Variant type: single nucleotide variant.
Coding change: c.1731T>C on transcript NM_024675.4 (MANE Select); coding-DNA position 1731, T replaced by C.
Protein change: p.Asn577=; no amino-acid change (asparagine 577 retained).
Molecular consequence: synonymous variant.
Genome position (GRCh38, 1-based): chr16:23,630,423, A>G on the plus strand (T>C on the coding strand, the complement: PALB2 is on the minus strand). VCF-style: chr16-23630423-A-G. GRCh37 (hg19) VCF-style: chr16-23641744-A-G.
Identifiers: ClinVar variation 480237 (VCV000480237.6), dbSNP rs1555460678, ClinGen allele CA494461408.
Genomic context (GRCh38, chr16:23,630,423, plus strand): 5'-CATTCCATCCCTATGAAATGGAGCCGTGAAAGCATCATCATCCAAGGATAAATAAGCACT[A>G]TTACTCCAAGAAAGGGAATCCTCTTTTTGATGACGACTTTTCTTCCCTAAAGAAGAAAAA-3'
Protein context (NP_078951.2, residues 567-587): HQKEDSLSWS[Asn577=]SAYLSLDDDA